The following continues an entry in ClinVar:

NM_000441.2(SLC26A4):c.2162C>T (p.Thr721Met)

ClinVar aggregate classification (germline): Pathogenic/Likely pathogenic. Pathogenic (14); Likely pathogenic (1).

Submissions 13 to 20 of 20:

Laboratory for Molecular Medicine, Mass General Brigham Personalized Medicine
Classification: Pathogenic for Rare genetic deafness. Last evaluated: 2016-03-29. Review status: criteria provided, single submitter. Criteria: LMM Criteria. Collection method: clinical testing. Allele origin: germline. Inheritance: Autosomal recessive inheritance. Observed: 2 variant alleles.
Comment: The p.Thr721Met variant in SLC26A4 has been reported in at least 7 individuals f rom 5 families with hearing loss and enlarged vestibular aqueduct (EVA) or Pendr ed Syndrome (Chen 2011, Ishihara 2010, Kahrizi 2009, Lopez-Bigas 2001, Usami 199 9). Individuals were either homozygous (2 families) or heterozygous with anoth er pathogenic variant (3 families). Compound heterozygous variants were confir med to be in trans in at least one family. In addition, a study showed that the Thr721Met variant impacts protein function (Ishihara 2010). This variant has b een identified in 5/11486 Latino chromosomes by the Exome Aggregation Consortium (ExAC; dbSNP rs121908363); however, this freque ncy is low enough to be consistent with a recessive carrier frequency. In summa ry, this variant meets our criteria to be classified as pathogenic for autosomal recessive hearing loss with EVA or Pendred syndrome.

Genetics Research Center, University of Social Welfare and Rehabilitation Sciences
Classification: Pathogenic for Autosomal recessive nonsyndromic hearing loss 4. Review status: criteria provided, single submitter. Criteria: ACMG Guidelines, 2015. Collection method: research. Allele origin: germline. Affected: yes.
Comment: The variant is present in the gnomAD v2.1.1 dataset at a very low allele frequency (0.005%) and has been previously reported in individual(s) affected with SLC26A4-related hearing loss (PMID:15355436, 11748854, 29871341, 28964290, 26004784, 14508505, 25266519, 17443271, 34697379, 31541171, 12676893, 10190331, 20597900, 27176802, 21704276, 17949297, 23185506, 26763877, 24599119, 12112665, 31427586, 31599023, 30275481, 31589614, 32447495, 15905611, 32645618, 34801268, 35853923, 18813951). It has also been observed to segregate with disease in related individuals. Functional analyses demonstrated a deleterious effect, whereby the mutant protein is sequestered in the cytoplasm, resulting in loss of normal anion transport function (PMID:20826203). The variant is predicted to be damaging by multiple in-silico tools.

Juno Genomics, Hangzhou Juno Genomics, Inc
Classification: Pathogenic for Autosomal recessive nonsyndromic hearing loss 4; Pendred syndrome. Review status: criteria provided, single submitter. Criteria: ACMG Guidelines, 2015. Collection method: clinical testing. Allele origin: germline. Affected: yes.
Comment: Absent from controls (or at extremely low frequency if recessive) in Genome Aggregation Database.;Multiple lines of computational evidence support a deleterious effect on the gene or gene product.;For recessive disorders, detected in trans with a pathogenic variant.

National Institute of Sensory Organs, National Hospital Organization Tokyo Medical Center
Classification: Affects for Autosomal recessive nonsyndromic hearing loss 4. Last evaluated: 2019-08-20. Review status: no assertion criteria provided. Collection method: clinical testing, in vitro. Allele origin: inherited, germline. Inheritance: Autosomal recessive inheritance. Affected: yes. Functional consequence: loss_of_function_variant. Not counted in ClinVar's aggregate classification.
Comment: in vitro experiment

Genetic Testing Center for Deafness, Department of Otolaryngology Head & Neck Surgery, Institute of Otolaryngology, Chinese PLA General Hospital
Classification: Likely pathogenic for Autosomal recessive nonsyndromic hearing loss 4. Last evaluated: 2019-02-26. Review status: no assertion criteria provided. Collection method: case-control. Allele origin: inherited. Affected: yes. Observed: 1 variant allele. Not counted in ClinVar's aggregate classification.

Counsyl
Classification: Pathogenic for Pendred syndrome. Last evaluated: 2016-05-24. Review status: no assertion criteria provided. Collection method: clinical testing. Allele origin: unknown. Not counted in ClinVar's aggregate classification.

OMIM
Classification: Pathogenic for DEAFNESS, AUTOSOMAL RECESSIVE 4, WITH ENLARGED VESTIBULAR AQUEDUCT. Last evaluated: 2003-12-01. Review status: no assertion criteria provided. Collection method: literature only. Allele origin: germline. Not counted in ClinVar's aggregate classification.

OMIM
Classification: Pathogenic for PENDRED SYNDROME. Last evaluated: 2003-12-01. Review status: no assertion criteria provided. Collection method: literature only. Allele origin: germline. Not counted in ClinVar's aggregate classification.

Literature cited by the submitters: PubMed 10190331 (cited by 5 submitters); PubMed 26763877 (cited by 3 submitters); PubMed 28964290 (cited by 3 submitters); PubMed 20826203 (cited by 5 submitters); PubMed 26969326 (cited by Natera, Inc.); PubMed 31427586 (cited by Natera, Inc. and Genetics Research Center, University of Social Welfare and Rehabilitation Sciences); PubMed 32645618 (cited by Natera, Inc. and Genetics Research Center, University of Social Welfare and Rehabilitation Sciences); PubMed 20301640 (cited by Victorian Clinical Genetics Services, Murdoch Childrens Research Institute); PubMed 18813951 (cited by Laboratory for Molecular Medicine, Mass General Brigham Personalized Medicine and Genetics Research Center, University of Social Welfare and Rehabilitation Sciences); PubMed 21704276 (cited by Laboratory for Molecular Medicine, Mass General Brigham Personalized Medicine and Genetics Research Center, University of Social Welfare and Rehabilitation Sciences); PubMed 11748854 (cited by 3 submitters); PubMed 15355436 (cited by Genetics Research Center, University of Social Welfare and Rehabilitation Sciences); PubMed 29871341 (cited by Genetics Research Center, University of Social Welfare and Rehabilitation Sciences); PubMed 26004784 (cited by Genetics Research Center, University of Social Welfare and Rehabilitation Sciences); PubMed 14508505 (cited by Genetics Research Center, University of Social Welfare and Rehabilitation Sciences and OMIM); PubMed 25266519 (cited by Genetics Research Center, University of Social Welfare and Rehabilitation Sciences and National Institute of Sensory Organs, National Hospital Organization Tokyo Medical Center); PubMed 17443271 (cited by Genetics Research Center, University of Social Welfare and Rehabilitation Sciences); PubMed 34697379 (cited by Genetics Research Center, University of Social Welfare and Rehabilitation Sciences); PubMed 31541171 (cited by Genetics Research Center, University of Social Welfare and Rehabilitation Sciences); PubMed 12676893 (cited by Genetics Research Center, University of Social Welfare and Rehabilitation Sciences); PubMed 20597900 (cited by Genetics Research Center, University of Social Welfare and Rehabilitation Sciences); PubMed 27176802 (cited by Genetics Research Center, University of Social Welfare and Rehabilitation Sciences); PubMed 17949297 (cited by Genetics Research Center, University of Social Welfare and Rehabilitation Sciences); PubMed 23185506 (cited by Genetics Research Center, University of Social Welfare and Rehabilitation Sciences); PubMed 24599119 (cited by Genetics Research Center, University of Social Welfare and Rehabilitation Sciences and National Institute of Sensory Organs, National Hospital Organization Tokyo Medical Center); PubMed 12112665 (cited by Genetics Research Center, University of Social Welfare and Rehabilitation Sciences); PubMed 31599023 (cited by Genetics Research Center, University of Social Welfare and Rehabilitation Sciences and National Institute of Sensory Organs, National Hospital Organization Tokyo Medical Center); PubMed 30275481 (cited by Genetics Research Center, University of Social Welfare and Rehabilitation Sciences); PubMed 31589614 (cited by Genetics Research Center, University of Social Welfare and Rehabilitation Sciences); PubMed 32447495 (cited by Genetics Research Center, University of Social Welfare and Rehabilitation Sciences); PubMed 15905611 (cited by Genetics Research Center, University of Social Welfare and Rehabilitation Sciences); PubMed 34801268 (cited by Genetics Research Center, University of Social Welfare and Rehabilitation Sciences); PubMed 35853923 (cited by Genetics Research Center, University of Social Welfare and Rehabilitation Sciences); PubMed 16570074 (cited by Counsyl); PubMed 17851929 (cited by Counsyl); PubMed 15679828 (cited by Counsyl); PubMed 25372295 (cited by Counsyl).